The following is an entry in ClinVar:

NM_002907.4(RECQL):c.622_623insTC (p.Tyr208fs)

Gene: RECQL (RecQ like helicase; minus strand). Cytogenetic location: 12p12.1.
Variant type: Insertion.
Coding change: c.622_623insTC on transcript NM_002907.4 (MANE Select); coding-DNA positions 622 to 623, TC inserted.
Protein change: p.Tyr208fs; shifts the reading frame from tyrosine 208.
Molecular consequence: frameshift variant.
Genome position: GRCh38 VCF-style: chr12-21483453-T-TGA. GRCh37 (hg19) VCF-style: chr12-21636387-T-TGA.
Other names: c.622_623insTC, p.Tyr208fs (NM_032941.3); short protein forms Y208fs.
Identifiers: ClinVar variation 1432587 (VCV001432587.6), dbSNP rs2137374092, ClinGen allele CA2573148454.

ClinVar aggregate classification (germline): Uncertain significance (1 of 4 stars; one submission).

Allele frequency attached by ClinVar (database versions not stated): gnomAD exomes below 0.00001.

Submission:

Labcorp Genetics (formerly Invitae), Labcorp
Classification: Uncertain significance. Last evaluated: 2020-11-25. Review status: criteria provided, single submitter. Criteria: Invitae Variant Classification Sherloc (09022015). Collection method: clinical testing. Allele origin: germline.
Comment: In summary, the available evidence is currently insufficient to determine the role of this variant in disease. Therefore, it has been classified as a Variant of Uncertain Significance. This variant has not been reported in the literature in individuals with RECQL-related conditions. This variant is not present in population databases (ExAC no frequency). This sequence change creates a premature translational stop signal (p.Tyr208Phefs*35) in the RECQL gene. It is expected to result in an absent or disrupted protein product. However, the current clinical and genetic evidence is not sufficient to establish whether loss-of-function variants in RECQL cause disease.